The following is an entry in ClinVar:

NM_000090.4(COL3A1):c.1999G>T (p.Ala667Ser)

Gene: COL3A1 (collagen type III alpha 1 chain; plus strand). Cytogenetic location: 2q32.2.
Variant type: single nucleotide variant.
Coding change: c.1999G>T on transcript NM_000090.4 (MANE Select); coding-DNA position 1999, G replaced by T.
Protein change: p.Ala667Ser; replaces alanine 667 with serine.
Molecular consequence: missense variant.
Genome position (GRCh38, 1-based): chr2:188,998,695, G>T. VCF-style: chr2-188998695-G-T. GRCh37 (hg19) VCF-style: chr2-189863421-G-T.
Other names: short protein forms A667S.
Identifiers: ClinVar variation 841775 (VCV000841775.10), dbSNP rs1688385247, ClinGen allele CA349854382.

ClinVar aggregate classification (germline): Uncertain significance (1 of 4 stars; one submission).

Conditions:
Ehlers-Danlos syndrome, type 4 (EDSVASC). Also called: Ehlers-Danlos Syndrome Type IV; Ehlers-Danlos syndrome vascular type; Ehlers Danlos syndrome, ecchymotic type; Ehlers Danlos syndrome, arterial type; Ehlers Danlos syndrome, Sack-Barabas type. Identifiers: Orphanet 286, MedGen C0268338, MONDO:0017314, OMIM 130050.

Allele frequency attached by ClinVar (database versions not stated): gnomAD exomes below 0.00001.
gnomAD v4.1: 2 of 1,613,932 alleles (0.00012%); highest among the groups gnomAD compares: Non-Finnish European, 0.00017%; no homozygotes.

Submission:

Labcorp Genetics (formerly Invitae), Labcorp
Classification: Uncertain significance for Ehlers-Danlos syndrome, type 4. Last evaluated: 2019-11-27. Review status: criteria provided, single submitter. Criteria: Invitae Variant Classification Sherloc (09022015). Collection method: clinical testing. Allele origin: germline.
Comment: This variant is not present in population databases (ExAC no frequency). This sequence change replaces alanine with serine at codon 667 of the COL3A1 protein (p.Ala667Ser). The alanine residue is moderately conserved and there is a moderate physicochemical difference between alanine and serine. This variant has not been reported in the literature in individuals with COL3A1-related conditions. In summary, the available evidence is currently insufficient to determine the role of this variant in disease. Therefore, it has been classified as a Variant of Uncertain Significance. Algorithms developed to predict the effect of missense changes on protein structure and function output the following: SIFT: "Tolerated"; PolyPhen-2: "Not Available"; Align-GVGD: "Class C0". The serine amino acid residue is found in multiple mammalian species, suggesting that this missense change does not adversely affect protein function. These predictions have not been confirmed by published functional studies and their clinical significance is uncertain.